The following is an entry in ClinVar:

NM_000179.3(MSH6):c.935G>C (p.Arg312Thr)

Gene: MSH6 (mutS homolog 6; plus strand). Cytogenetic location: 2p16.3.
Variant type: single nucleotide variant.
Coding change: c.935G>C on transcript NM_000179.3 (MANE Select); coding-DNA position 935, G replaced by C.
Protein change: p.Arg312Thr; replaces arginine 312 with threonine.
Molecular consequence: missense variant.
Genome position (GRCh38, 1-based): chr2:47,798,918, G>C. VCF-style: chr2-47798918-G-C. GRCh37 (hg19) VCF-style: chr2-48026057-G-C.
Other names: c.545G>C, p.Arg182Thr (NM_001281492.2); c.29G>C, p.Arg10Thr (NM_001281493.2, NM_001281494.2); c.935G>C (NM_000179.2); short protein forms R10T, R182T, R312T.
Identifiers: ClinVar variation 1008999 (VCV001008999.10), dbSNP rs1669273799, ClinGen allele CA346740763.

ClinVar aggregate classification (germline): Uncertain significance. Review status: criteria provided, multiple submitters, no conflicts (2 of 4 stars). 2 submissions from 2 submitters: Uncertain significance (2). Last evaluated 2026-07-06.

Conditions:
Hereditary cancer-predisposing syndrome. Also called: Tumor predisposition; Hereditary Cancer Syndrome; Hereditary neoplastic syndrome; Neoplastic Syndromes, Hereditary. Identifiers: Orphanet 140162, MedGen C0027672, MeSH D009386, MONDO:0015356.
Hereditary nonpolyposis colorectal neoplasms. Identifiers: MedGen C0009405, MeSH D003123.

Submissions (2):

Ambry Genetics
Classification: Uncertain significance for Hereditary cancer-predisposing syndrome. Last evaluated: 2026-07-06. Review status: criteria provided, single submitter. Criteria: Ambry Variant Classification Scheme 2023. Collection method: clinical testing. Allele origin: germline.
Comment: The p.R312T variant (also known as c.935G>C), located in coding exon 4 of the MSH6 gene, results from a G to C substitution at nucleotide position 935. The arginine at codon 312 is replaced by threonine, an amino acid with similar properties. This amino acid position is conserved. In addition, this alteration is predicted to be tolerated by in silico analysis. Based on the available evidence, the clinical significance of this variant remains unclear.

Labcorp Genetics (formerly Invitae), Labcorp
Classification: Uncertain significance for Hereditary nonpolyposis colorectal neoplasms. Last evaluated: 2025-06-15. Review status: criteria provided, single submitter. Criteria: Invitae Variant Classification Sherloc (09022015). Collection method: clinical testing. Allele origin: germline.
Comment: This sequence change replaces arginine, which is basic and polar, with threonine, which is neutral and polar, at codon 312 of the MSH6 protein (p.Arg312Thr). This variant is not present in population databases (gnomAD no frequency). This variant has not been reported in the literature in individuals affected with MSH6-related conditions. ClinVar contains an entry for this variant (Variation ID: 1008999). Invitae Evidence Modeling of protein sequence and biophysical properties (such as structural, functional, and spatial information, amino acid conservation, physicochemical variation, residue mobility, and thermodynamic stability) indicates that this missense variant is not expected to disrupt MSH6 protein function with a negative predictive value of 95%. In summary, the available evidence is currently insufficient to determine the role of this variant in disease. Therefore, it has been classified as a Variant of Uncertain Significance.